The following is an entry in ClinVar:

NM_018292.5(QRSL1):c.255G>A (p.Glu85=)

Gene: QRSL1 (glutaminyl-tRNA amidotransferase subunit QRSL1; plus strand). Cytogenetic location: 6q21.
Variant type: single nucleotide variant.
Coding change: c.255G>A on transcript NM_018292.5 (MANE Select); coding-DNA position 255, G replaced by A.
Protein change: p.Glu85=; no amino-acid change (glutamic acid 85 retained).
Molecular consequence: synonymous variant.
Genome position (GRCh38, 1-based): chr6:106,640,893, G>A. VCF-style: chr6-106640893-G-A. GRCh37 (hg19) VCF-style: chr6-107088768-G-A.
Identifiers: ClinVar variation 720366 (VCV000720366.11), dbSNP rs56974135, ClinGen allele CA3944705.

ClinVar aggregate classification (germline): Benign/Likely benign. Review status: criteria provided, multiple submitters, no conflicts (2 of 4 stars). 3 submissions from 3 submitters: Benign (1); Likely benign (1). 1 of the submissions does not count toward it. Last evaluated 2025-12-31.

Conditions:
QRSL1-related disorder. Also called: QRSL1-related condition.

Allele frequency attached by ClinVar (database versions not stated): gnomAD exomes 0.00036 and 0.00104; ExAC 0.00130; gnomAD 0.00430 and 0.00451; ESP Exome Variant Server 0.00454; TOPMed 0.00476; 1000 Genomes Project 0.00579; 1000 Genomes Project 30x 0.00687.

Submissions (3):

Labcorp Genetics (formerly Invitae), Labcorp
Classification: Benign. Last evaluated: 2025-12-31. Review status: criteria provided, single submitter. Criteria: Invitae Variant Classification Sherloc (09022015). Collection method: clinical testing. Allele origin: germline.

Blueprint Genetics
Classification: Likely benign. Last evaluated: 2024-11-14. Review status: criteria provided, single submitter. Criteria: ACMG Guidelines, 2015. Collection method: clinical testing. Allele origin: germline.

PreventionGenetics, part of Exact Sciences
Classification: Benign for QRSL1-related condition. Last evaluated: 2019-09-25. Review status: no assertion criteria provided. Collection method: clinical testing. Allele origin: germline. Not counted in ClinVar's aggregate classification.
Comment: This variant is classified as benign based on ACMG/AMP sequence variant interpretation guidelines (Richards et al. 2015 PMID: 25741868, with internal and published modifications).